The following is an entry in ClinVar:

ClinVar aggregate classification (germline): Uncertain significance (1 of 4 stars; one submission).

Conditions:
Inborn genetic diseases. Identifiers: MedGen C0950123, MeSH D030342.

Submission:

Ambry Genetics
Classification: Uncertain significance for Inborn genetic diseases. Last evaluated: 2025-01-28. Review status: criteria provided, single submitter. Criteria: Ambry Variant Classification Scheme 2023. Collection method: clinical testing. Allele origin: germline.
Comment: The p.N1108S variant (also known as c.3323A>G), located in coding exon 15 of the MECOM gene, results from an A to G substitution at nucleotide position 3323. The asparagine at codon 1108 is replaced by serine, an amino acid with highly similar properties. This amino acid position is conserved. In addition, this alteration is predicted to be tolerated by in silico analysis. Based on the available evidence, the clinical significance of this variant remains unclear.

NM_004991.4(MECOM):c.3323A>G (p.Asn1108Ser)

Gene: MECOM (MDS1 and EVI1 complex locus; minus strand). Cytogenetic location: 3q26.2.
Variant type: single nucleotide variant.
Coding change: c.3323A>G on transcript NM_004991.4 (MANE Select); coding-DNA position 3323, A replaced by G.
Protein change: p.Asn1108Ser; replaces asparagine 1108 with serine.
Molecular consequence: missense variant.
Genome position (GRCh38, 1-based): chr3:169,090,078, T>C on the plus strand (A>G on the coding strand, the complement: MECOM is on the minus strand). VCF-style: chr3-169090078-T-C. GRCh37 (hg19) VCF-style: chr3-168807866-T-C.
Other names: c.2954A>G, p.Asn985Ser (NM_001105077.4); c.2759A>G, p.Asn920Ser (NM_001105078.4, NM_001205194.2, NM_001366469.2 and 1 more transcripts); c.2735A>G, p.Asn912Ser (NM_001163999.2, NM_001366470.2); c.2732A>G, p.Asn911Ser (NM_001164000.2, NM_001366471.2, NM_001366472.2); c.3296A>G, p.Asn1099Ser (NM_001366466.2); c.2762A>G, p.Asn921Ser (NM_001366467.2, NM_001366468.2); c.2324A>G, p.Asn775Ser (NM_001366473.2); c.1760A>G, p.Asn587Ser (NM_001366474.2); short protein forms N1099S, N587S, N920S, N911S, N775S, N1108S, N912S, N921S.
Identifiers: ClinVar variation 3871761 (VCV003871761.1).